The following is an entry in ClinVar:

ClinVar aggregate classification (germline): Likely benign. Review status: criteria provided, multiple submitters, no conflicts (2 of 4 stars). 2 submissions from 2 submitters: Likely benign (2). Last evaluated 2026-01-01.

Allele frequency attached by ClinVar (database versions not stated): gnomAD 0.00001; gnomAD exomes 0.00002.
gnomAD v4.1: 22 of 1,610,200 alleles (0.0014%); highest among the groups gnomAD compares: Middle Eastern, 0.017%; no homozygotes.

Submissions (2):

CeGaT Center for Human Genetics Tuebingen
Classification: Likely benign. Last evaluated: 2026-01-01. Review status: criteria provided, single submitter. Criteria: CeGaT Center For Human Genetics Tuebingen Variant Classification Criteria Version 2. Collection method: clinical testing. Allele origin: germline. Affected: yes. Observed: 1 variant allele.
Comment: CNOT1: BP4, BP7

Labcorp Genetics (formerly Invitae), Labcorp
Classification: Likely benign. Last evaluated: 2022-05-12. Review status: criteria provided, single submitter. Criteria: Invitae Variant Classification Sherloc (09022015). Collection method: clinical testing. Allele origin: germline.

NM_016284.5(CNOT1):c.630G>A (p.Leu210=)

Gene: CNOT1 (CCR4-NOT transcription complex subunit 1; minus strand). Cytogenetic location: 16q21.
Variant type: single nucleotide variant.
Coding change: c.630G>A on transcript NM_016284.5 (MANE Select); coding-DNA position 630, G replaced by A.
Protein change: p.Leu210=; no amino-acid change (leucine 210 retained).
Molecular consequence: synonymous variant. On other transcripts: non-coding transcript variant (1).
Genome position (GRCh38, 1-based): chr16:58,586,552, C>T on the plus strand (G>A on the coding strand, the complement: CNOT1 is on the minus strand). VCF-style: chr16-58586552-C-T. GRCh37 (hg19) VCF-style: chr16-58620456-C-T.
Other names: c.630G>A, p.Leu210= (NM_001265612.2, NM_206999.3).
Identifiers: ClinVar variation 2044840 (VCV002044840.8), dbSNP rs912403749, ClinGen allele CA281685757.